The following is an entry in ClinVar:

ClinVar aggregate classification (germline): Uncertain significance (1 of 4 stars; one submission).

Conditions:
Dilated cardiomyopathy 1DD (CMD1DD). Identifiers: Orphanet 154, MedGen C2750995, MONDO:0013168, OMIM 613172.

Allele frequency attached by ClinVar (database versions not stated): gnomAD exomes below 0.00001; TOPMed below 0.00001.
gnomAD v4.1: 4 of 1,542,298 alleles (0.00026%); highest among the groups gnomAD compares: Non-Finnish European, 0.00026%; no homozygotes.

Submission:

Labcorp Genetics (formerly Invitae), Labcorp
Classification: Uncertain significance for Dilated cardiomyopathy 1DD. Last evaluated: 2022-09-03. Review status: criteria provided, single submitter. Criteria: Invitae Variant Classification Sherloc (09022015). Collection method: clinical testing. Allele origin: germline.
Comment: In summary, the available evidence is currently insufficient to determine the role of this variant in disease. Therefore, it has been classified as a Variant of Uncertain Significance. Variants that disrupt the consensus splice site are a relatively common cause of aberrant splicing (PMID: 17576681, 9536098). Algorithms developed to predict the effect of sequence changes on RNA splicing suggest that this variant is not likely to affect RNA splicing. This variant has not been reported in the literature in individuals affected with RBM20-related conditions. This variant is not present in population databases (gnomAD no frequency). This sequence change falls in intron 9 of the RBM20 gene. It does not directly change the encoded amino acid sequence of the RBM20 protein. It affects a nucleotide within the consensus splice site.

Literature cited by the submitters: PubMed 17576681; PubMed 9536098.

NM_001134363.3(RBM20):c.2551-3A>G

Gene: RBM20 (RNA binding motif protein 20; plus strand). Cytogenetic location: 10q25.2.
Variant type: single nucleotide variant.
Coding change: c.2551-3A>G on transcript NM_001134363.3 (MANE Select); 3 bases into the intron before coding-DNA position 2551, A replaced by G.
Molecular consequence: intron variant.
Genome position (GRCh38, 1-based): chr10:110,820,069, A>G. VCF-style: chr10-110820069-A-G. GRCh37 (hg19) VCF-style: chr10-112579827-A-G.
Identifiers: ClinVar variation 2150037 (VCV002150037.2), dbSNP rs771353277, ClinGen allele CA213228572.
Genomic context (GRCh38, chr10:110,820,069, plus strand): 5'-TTTTTTCTTCTCCCTGTCACTGCTCACTGTTGATTTGGTTTGCTCTGTTCTTCCTTTGAT[A>G]AGGCTGGAAAAGAGGAACAGGAGGGCATGGAAGAAAGCCCTCAATCAGTGGGCAGACAGG-3'